The following is an entry in ClinVar:

ClinVar aggregate classification (germline): Uncertain significance. Review status: criteria provided, multiple submitters, no conflicts (2 of 4 stars). 2 submissions from 2 submitters: Uncertain significance (2). Last evaluated 2023-12-11.

gnomAD v4.1: 3 of 1,613,168 alleles (0.00019%); highest among the groups gnomAD compares: Non-Finnish European, 0.00025%; no homozygotes.

Submissions (2):

Labcorp Genetics (formerly Invitae), Labcorp
Classification: Uncertain significance. Last evaluated: 2023-12-11. Review status: criteria provided, single submitter. Criteria: Invitae Variant Classification Sherloc (09022015). Collection method: clinical testing. Allele origin: germline.
Comment: This sequence change affects an acceptor splice site in intron 7 of the RHOBTB2 gene. It is expected to disrupt RNA splicing. Variants that disrupt the donor or acceptor splice site typically lead to a loss of protein function (PMID: 16199547), however the current clinical and genetic evidence is not sufficient to establish whether loss-of-function variants in RHOBTB2 cause disease. This variant is not present in population databases (gnomAD no frequency). Disruption of this splice site has been observed in individual(s) with clinical features of RHOBTB2-related conditions (PMID: 37165955). ClinVar contains an entry for this variant (Variation ID: 1485733). Algorithms developed to predict the effect of sequence changes on RNA splicing suggest that this variant may disrupt the consensus splice site. In summary, the available evidence is currently insufficient to determine the role of this variant in disease. Therefore, it has been classified as a Variant of Uncertain Significance.

GeneDx
Classification: Uncertain significance. Last evaluated: 2022-12-28. Review status: criteria provided, single submitter. Criteria: GeneDx Variant Classification Process June 2021. Collection method: clinical testing. Allele origin: germline. Affected: yes.
Comment: Not observed at significant frequency in large population cohorts (gnomAD); Canonical splice site variant in a gene or region of a gene for which loss of function is not a well-established mechanism of disease; Has not been previously published as pathogenic or benign to our knowledge

Literature cited by the submitters: PubMed 16199547 (cited by Labcorp Genetics (formerly Invitae), Labcorp); PubMed 37165955 (cited by Labcorp Genetics (formerly Invitae), Labcorp).

NM_015178.3(RHOBTB2):c.1502-1G>A

Gene: RHOBTB2 (Rho related BTB domain containing 2; plus strand). Cytogenetic location: 8p21.3.
Variant type: single nucleotide variant.
Coding change: c.1502-1G>A on transcript NM_015178.3 (MANE Select); the canonical splice acceptor site of the intron before coding-DNA position 1502, G replaced by A.
Molecular consequence: splice acceptor variant.
Genome position (GRCh38, 1-based): chr8:23,007,992, G>A. VCF-style: chr8-23007992-G-A. GRCh37 (hg19) VCF-style: chr8-22865505-G-A.
Other names: c.1568-1G>A (NM_001160036.2); c.1523-1G>A (NM_001160037.2); c.1502-1G>A (NM_001374791.1).
Identifiers: ClinVar variation 1485733 (VCV001485733.7), dbSNP rs2128805174, ClinGen allele CA370569813.